The following is an entry in ClinVar:

NM_001384474.1(LOXHD1):c.4632G>A (p.Lys1544=)

Gene: LOXHD1 (lipoxygenase homology PLAT domains 1; minus strand). Cytogenetic location: 18q21.1.
Variant type: single nucleotide variant.
Coding change: c.4632G>A on transcript NM_001384474.1 (MANE Select); coding-DNA position 4632, G replaced by A.
Protein change: p.Lys1544=; no amino-acid change (lysine 1544 retained).
Molecular consequence: synonymous variant.
Genome position (GRCh38, 1-based): chr18:46,524,816, C>T on the plus strand (G>A on the coding strand, the complement: LOXHD1 is on the minus strand). VCF-style: chr18-46524816-C-T. GRCh37 (hg19) VCF-style: chr18-44104779-C-T.
Other names: c.1299G>A, p.Lys433= (NM_001145472.3); c.1011G>A, p.Lys337= (NM_001308013.2); c.4632G>A, p.Lys1544= (NM_144612.7).
Identifiers: ClinVar variation 754281 (VCV000754281.13), dbSNP rs924829697, ClinGen allele CA299801843.

ClinVar aggregate classification (germline): Likely benign. Review status: criteria provided, multiple submitters, no conflicts (2 of 4 stars). 3 submissions from 3 submitters: Likely benign (2). 1 of the submissions does not count toward it. Last evaluated 2026-07-20.

Conditions:
LOXHD1-related disorder. Also called: LOXHD1-related condition.
Autosomal recessive nonsyndromic hearing loss 77. Identifiers: Orphanet 90636, MedGen C2746083, MONDO:0013119, OMIM 613079.

Allele frequency attached by ClinVar (database versions not stated): gnomAD exomes 0.00007 and 0.00021; TOPMed 0.00017; gnomAD 0.00030 and 0.00032; 1000 Genomes Project 30x 0.00031.
gnomAD v4.1: 150 of 1,551,806 alleles (0.0097%); highest among the groups gnomAD compares: Admixed American, 0.13%; no homozygotes.

Submissions (3):

PreventionGenetics, part of Exact Sciences
Classification: Likely benign for LOXHD1-related condition. Last evaluated: 2026-07-20. Review status: criteria provided, single submitter. Criteria: ACMG Guidelines, 2015. Collection method: clinical testing. Allele origin: germline.
Comment: This variant is classified as likely benign based on ACMG/AMP sequence variant interpretation guidelines (Richards et al. 2015 PMID: 25741868, with internal and published modifications).

Labcorp Genetics (formerly Invitae), Labcorp
Classification: Likely benign. Last evaluated: 2026-01-26. Review status: criteria provided, single submitter. Criteria: Invitae Variant Classification Sherloc (09022015). Collection method: clinical testing. Allele origin: germline.

Natera, Inc.
Classification: Likely benign for Autosomal recessive deafness type 77. Last evaluated: 2020-06-15. Review status: no assertion criteria provided. Collection method: clinical testing. Allele origin: germline. Not counted in ClinVar's aggregate classification.